The following is an entry in ClinVar:

NM_001371596.2(MFSD8):c.*1280T>A

Gene: MFSD8 (major facilitator superfamily domain containing 8; minus strand). Cytogenetic location: 4q28.2.
Variant type: single nucleotide variant.
Coding change: c.*1280T>A on transcript NM_001371596.2 (MANE Select); 1280 bases downstream of the stop codon, T replaced by A.
Molecular consequence: 3 prime UTR variant.
Genome position (GRCh38, 1-based): chr4:127,919,350, A>T on the plus strand (T>A on the coding strand, the complement: MFSD8 is on the minus strand). VCF-style: chr4-127919350-A-T. GRCh37 (hg19) VCF-style: chr4-128840505-A-T.
Other names: c.*1280T>A (NM_001363520.3, NM_001363521.3, NM_001371590.2 and 7 more transcripts); c.*2409T>A (NM_001410766.1).
Identifiers: ClinVar variation 901229 (VCV000901229.6), dbSNP rs146441639, ClinGen allele CA105668972.

ClinVar aggregate classification (germline): Likely benign (1 of 4 stars; one submission).

Conditions:
Neuronal ceroid lipofuscinosis 7 (CLN7). Also called: MFSD8-Related Neuronal Ceroid-Lipofuscinosis. Identifiers: Orphanet 168491, Orphanet 228366, MedGen C1838571, MONDO:0012588, OMIM 610951.

Allele frequency attached by ClinVar (database versions not stated): 1000 Genomes Project 30x 0.00312; 1000 Genomes Project 0.00319; TOPMed 0.00327.

Submission:

Illumina Laboratory Services, Illumina
Classification: Likely benign for Neuronal ceroid lipofuscinosis 7. Last evaluated: 2018-01-13. Review status: criteria provided, single submitter. Criteria: ICSL Variant Classification Criteria 13 December 2019. Collection method: clinical testing. Allele origin: germline.
Comment: This variant was observed in the ICSL laboratory as part of a predisposition screen in an ostensibly healthy population. It had not been previously curated by ICSL or reported in the Human Gene Mutation Database (HGMD: prior to June 1st, 2018), and was therefore a candidate for classification through an automated scoring system. Utilizing variant allele frequency, disease prevalence and penetrance estimates, and inheritance mode, an automated score was calculated to assess if this variant is too frequent to cause the disease. Based on the score and internal cut-off values, a variant classified as likely benign is not then subjected to further curation. The score for this variant resulted in a classification of likely benign for this disease.